The following is an entry in ClinVar:

NM_005751.5(AKAP9):c.9408_9409delinsAT (p.Met3136_Gln3137delinsIleTer)

Gene: AKAP9 (A-kinase anchoring protein 9; plus strand). Cytogenetic location: 7q21.2.
Variant type: Indel.
Coding change: c.9408_9409delinsAT on transcript NM_005751.5 (MANE Select); coding-DNA positions 9408 to 9409, GC replaced by AT.
Protein change: p.Met3136_Gln3137delinsIleTer.
Molecular consequence: nonsense.
Genome position (GRCh38, 1-based): chr7:92,093,146-92,093,147, GC replaced by AT. VCF-style: chr7-92093146-GC-AT. GRCh37 (hg19) VCF-style: chr7-91722460-GC-AT.
Other names: c.4053_4054delinsAT, p.Met1351_Gln1352delinsIleTer (NM_001379277.1); c.9384_9385delinsAT, p.Met3128_Gln3129delinsIleTer (NM_147185.3).
Identifiers: ClinVar variation 2805422 (VCV002805422.3), dbSNP rs2535288467, ClinGen allele CA2739266538.

ClinVar aggregate classification (germline): Uncertain significance (1 of 4 stars; one submission).

Conditions:
Long QT syndrome (LQTS). Identifiers: MedGen C0023976, MeSH D008133, MONDO:0002442. Disease mechanism: loss of function. Inheritance: Various modes of inheritance.

Submission:

Labcorp Genetics (formerly Invitae), Labcorp
Classification: Uncertain significance for Long QT syndrome. Last evaluated: 2024-02-01. Review status: criteria provided, single submitter. Criteria: Invitae Variant Classification Sherloc (09022015). Collection method: clinical testing. Allele origin: germline.
Comment: This sequence change creates a premature translational stop signal (p.Met3136_Gln3137delinsIle*) in the AKAP9 gene. It is expected to result in an absent or disrupted protein product. However, the current clinical and genetic evidence is not sufficient to establish whether loss-of-function variants in AKAP9 cause disease. Information on the frequency of this variant in the gnomAD database is not available, as this variant may be reported differently in the database. This variant has not been reported in the literature in individuals affected with AKAP9-related conditions. In summary, the available evidence is currently insufficient to determine the role of this variant in disease. Therefore, it has been classified as a Variant of Uncertain Significance.